The following is an entry in ClinVar:

ClinVar aggregate classification (germline): Pathogenic (1 of 4 stars; one submission).

Submission:

Quest Diagnostics Nichols Institute San Juan Capistrano
Classification: Pathogenic. Last evaluated: 2023-01-10. Review status: criteria provided, single submitter. Criteria: ACMG/ClinGen CNV Guidelines, 2019. Collection method: clinical testing. Allele origin: unknown.
Comment: This deletion partially overlaps a syndromic Xq21.1 deletion interval (OMIM 303110), which involves CHM and POU3F4. Haploinsufficiency of CHM is associated with X-linked choroideremia (OMIM 303100, Rehm 2015, Zeitz 2021). An additional study identified affected individuals from two families with a deletion similar to the current interval (Sanchez-Alcudia 2016). There are no similar copy number losses of this region in the general populations of the Database of Genomic Variants (DGV). Thus, this copy number variant (CNV) is classified as pathogenic. References: Rehm et al., N Engl J Med. 2015 Jun 4;372(23):2235-42. PMID: 26014595 (HGNC:1940) Sanchez-Alcudia et al., PLoS One. 2016 Apr 12;11(4):e0151943. PMID: 27070432 Zeitz et al., Hum Mutat. 2021 Apr;42(4):323-341. PMID: 33538369

GRCh37/hg19 Xq21.2-21.31(chrX:84765926-87074707)x1

Genes: CHM (CHM Rab escort protein; minus strand), DACH2 (dachshund family transcription factor 2; plus strand), KLHL4 (kelch like family member 4; plus strand). Cytogenetic location: Xq21.2-21.31.
Variant type: copy number loss.
Change: copy number 1 of chrX:84,765,926-87,074,707 (2.31 Mb, GRCh37 coordinates, 1-based), cytogenetic band Xq21.2-21.31.
Identifiers: ClinVar variation 2685712 (VCV002685712.1).